The following is an entry in ClinVar:

ClinVar aggregate classification (germline): Likely benign (1 of 4 stars; one submission).

gnomAD v4.1: 7 of 1,613,326 alleles (0.00043%); highest among the groups gnomAD compares: Non-Finnish European, 0.00034%; no homozygotes.

Submission:

CeGaT Center for Human Genetics Tuebingen
Classification: Likely benign. Last evaluated: 2025-11-01. Review status: criteria provided, single submitter. Criteria: CeGaT Center For Human Genetics Tuebingen Variant Classification Criteria Version 2. Collection method: clinical testing. Allele origin: germline. Affected: yes. Observed: 1 variant allele.
Comment: APC2: BP4, BP7

NM_005883.3(APC2):c.1327C>T (p.Leu443=)

Gene: APC2 (APC regulator of Wnt signaling pathway 2; plus strand). Cytogenetic location: 19p13.3.
Variant type: single nucleotide variant.
Coding change: c.1327C>T on transcript NM_005883.3 (MANE Select); coding-DNA position 1327, C replaced by T.
Protein change: p.Leu443=; no amino-acid change (leucine 443 retained).
Molecular consequence: synonymous variant.
Genome position (GRCh38, 1-based): chr19:1,460,204, C>T. VCF-style: chr19-1460204-C-T. GRCh37 (hg19) VCF-style: chr19-1460203-C-T.
Other names: c.1324C>T, p.Leu442= (NM_001351273.1).
Identifiers: ClinVar variation 4534492 (VCV004534492.6).